The following is an entry in ClinVar:

ClinVar aggregate classification (germline): Likely benign. Review status: criteria provided, multiple submitters, no conflicts (2 of 4 stars). 2 submissions from 2 submitters: Likely benign (2). Last evaluated 2025-07-06.

gnomAD v4.1: 30 of 1,068,624 alleles (0.0028%); highest among the groups gnomAD compares: South Asian, 0.0044%; no homozygotes.

Submissions (2):

Labcorp Genetics (formerly Invitae), Labcorp
Classification: Likely benign. Last evaluated: 2025-07-06. Review status: criteria provided, single submitter. Criteria: Invitae Variant Classification Sherloc (09022015). Collection method: clinical testing. Allele origin: germline.

Women's Health and Genetics/Laboratory Corporation of America, LabCorp
Classification: Likely benign. Last evaluated: 2024-07-31. Review status: criteria provided, single submitter. Criteria: LabCorp Variant Classification Summary - May 2015. Collection method: clinical testing. Allele origin: germline.
Comment: Variant summary: GRIN2D c.69C>G alters a non-conserved nucleotide resulting in a synonymous change. Consensus agreement among computation tools predict no significant impact on normal splicing. However, these predictions have yet to be confirmed by functional studies. The variant was absent in 1068624 control chromosomes (gnomAD database v4). The available data on variant occurrences in the general population are insufficient to allow any conclusion about variant significance. To our knowledge, no occurrence of c.69C>G in individuals affected with Epileptic Encephalopathy, Early Infantile, 46 and no experimental evidence demonstrating its impact on protein function have been reported. ClinVar contains an entry for this variant (Variation ID: 2994627). Based on the evidence outlined above, the variant was classified as likely benign.

NM_000836.4(GRIN2D):c.69C>G (p.Ala23=)

Gene: GRIN2D (glutamate ionotropic receptor NMDA type subunit 2D; plus strand). Cytogenetic location: 19q13.33.
Variant type: single nucleotide variant.
Coding change: c.69C>G on transcript NM_000836.4 (MANE Select); coding-DNA position 69, C replaced by G.
Protein change: p.Ala23=; no amino-acid change (alanine 23 retained).
Molecular consequence: synonymous variant.
Genome position (GRCh38, 1-based): chr19:48,398,461, C>G. VCF-style: chr19-48398461-C-G. GRCh37 (hg19) VCF-style: chr19-48901718-C-G.
Identifiers: ClinVar variation 2994627 (VCV002994627.4), dbSNP rs1289811637, ClinGen allele CA508037427.